The following is an entry in ClinVar:

ClinVar aggregate classification (germline): Likely benign (0 of 4 stars; one submission).

Conditions:
CACNA1G-related disorder. Also called: CACNA1G-related disorders; CACNA1G-related condition.

Allele frequency attached by ClinVar (database versions not stated): TOPMed below 0.00001; ExAC 0.00001; gnomAD 0.00001; gnomAD exomes 0.00002.
gnomAD v4.1: 28 of 1,613,802 alleles (0.0017%); highest among the groups gnomAD compares: South Asian, 0.03%; 1 homozygote.

Submission:

PreventionGenetics, part of Exact Sciences
Classification: Likely benign for CACNA1G-related condition. Last evaluated: 2020-05-21. Review status: no assertion criteria provided. Collection method: clinical testing. Allele origin: germline.
Comment: This variant is classified as likely benign based on ACMG/AMP sequence variant interpretation guidelines (Richards et al. 2015 PMID: 25741868, with internal and published modifications).

NM_018896.5(CACNA1G):c.2755-8G>T

Gene: CACNA1G (calcium voltage-gated channel subunit alpha1 G; plus strand). Cytogenetic location: 17q21.33.
Variant type: single nucleotide variant.
Coding change: c.2755-8G>T on transcript NM_018896.5 (MANE Select); 8 bases into the intron before coding-DNA position 2755, G replaced by T.
Molecular consequence: intron variant.
Genome position (GRCh38, 1-based): chr17:50,591,929, G>T. VCF-style: chr17-50591929-G-T. GRCh37 (hg19) VCF-style: chr17-48669290-G-T.
Other names: c.2755-8G>T (NM_001256325.2, NM_198377.3, NM_198380.3 and 24 more transcripts).
Identifiers: ClinVar variation 3047538 (VCV003047538.2), dbSNP rs376271699, ClinGen allele CA8652525.